The following is an entry in ClinVar:

ClinVar aggregate classification (germline): Uncertain significance. Review status: criteria provided, multiple submitters, no conflicts (2 of 4 stars). 2 submissions from 2 submitters: Uncertain significance (2). Last evaluated 2025-06-27.

Submissions (2):

Labcorp Genetics (formerly Invitae), Labcorp
Classification: Uncertain significance. Last evaluated: 2025-06-27. Review status: criteria provided, single submitter. Criteria: Invitae Variant Classification Sherloc (09022015). Collection method: clinical testing. Allele origin: germline.
Comment: The OPA1 gene has multiple clinically relevant transcripts. This variant occurs in alternate transcript NM_130837.2, and corresponds to NM_015560.2:c.625-5419_625-5418del in the primary transcript. This sequence change creates a premature translational stop signal (p.Lys261Alafs*10) in the OPA1 gene. It is expected to result in an absent or disrupted protein product. However, the current clinical and genetic evidence is not sufficient to establish whether truncating variants in this region of OPA1 cause disease. This variant is present in population databases (no rsID available, gnomAD 0.002%). This variant has not been reported in the literature in individuals affected with OPA1-related conditions. ClinVar contains an entry for this variant (Variation ID: 866529). Algorithms developed to predict the effect of sequence changes on RNA splicing suggest that this variant is not likely to affect RNA splicing. In summary, the available evidence is currently insufficient to determine the role of this variant in disease. Therefore, it has been classified as a Variant of Uncertain Significance.

Blueprint Genetics
Classification: Uncertain significance. Last evaluated: 2019-01-08. Review status: criteria provided, single submitter. Criteria: ACMG Guidelines, 2015. Collection method: clinical testing. Allele origin: germline.

NM_130837.3(OPA1):c.780_781del (p.Lys261fs)

Genes: OPA1 (OPA1 mitochondrial dynamin like GTPase; plus strand), OPA1-AS1 (OPA1 antisense RNA 1; minus strand). Cytogenetic location: 3q29.
Variant type: Deletion.
Coding change: c.780_781del on transcript NM_130837.3 (MANE Select); coding-DNA positions 780 to 781, 2 bases deleted (GA; older notation c.780_781delGA).
Protein change: p.Lys261fs; shifts the reading frame from lysine 261.
Molecular consequence: frameshift variant. On other transcripts: intron variant (5).
Genome position (GRCh38, 1-based): chr3:193,626,193-193,626,194, GA deleted; deleting any 2 consecutive bases within chr3:193,626,192-193,626,194 gives the same sequence; the c. name uses the placement nearest the transcript's 3' end. VCF-style (leftmost placement, unchanged base first): chr3-193626191-CAG-C. GRCh37 (hg19) VCF-style: chr3-193343980-CAG-C.
Other names: c.246_247del, p.Lys83fs (NM_001354663.2); c.618_619del, p.Lys207fs (NM_130833.3); c.672_673del, p.Lys225fs (NM_130835.3); c.726_727del, p.Lys243fs (NM_130836.3); c.253-5419_253-5418del (NM_001354664.2); c.679-5419_679-5418del (NM_130834.3); c.625-5419_625-5418del (NM_015560.3); c.571-5419_571-5418del (NM_130832.3); and 1 more; short protein forms K243fs, K207fs, K225fs, K261fs, K83fs.
Identifiers: ClinVar variation 866529 (VCV000866529.8), dbSNP rs954901985, ClinGen allele CA90574892.
Genomic context (GRCh38, chr3:193,626,191, plus strand): 5'-CAAGAGCATGAAGAGGAAGCGCGCAGAGCCGCTGGCCAATATAGCACGAGCTATGCCCAA[CAG>C]AAGCGCAAGGTGATGGATGGTTTAAGGGGGCTACCGATACATTCACACTAATCAGCCATT-3'